The following is an entry in ClinVar:

NM_004525.3(LRP2):c.13303G>A (p.Val4435Ile)

Gene: LRP2 (LDL receptor related protein 2; minus strand). Cytogenetic location: 2q31.1.
Variant type: single nucleotide variant.
Coding change: c.13303G>A on transcript NM_004525.3 (MANE Select); coding-DNA position 13303, G replaced by A.
Protein change: p.Val4435Ile; replaces valine 4435 with isoleucine.
Molecular consequence: missense variant.
Genome position (GRCh38, 1-based): chr2:169,139,336, C>T on the plus strand (G>A on the coding strand, the complement: LRP2 is on the minus strand). VCF-style: chr2-169139336-C-T. GRCh37 (hg19) VCF-style: chr2-169995846-C-T.
Other names: short protein forms V4435I.
Identifiers: ClinVar variation 894195 (VCV000894195.10), dbSNP rs751890334, ClinGen allele CA1952575.
Genomic context (GRCh38, chr2:169,139,336, plus strand): 5'-AAAGGGAGCCGGTCCTTCTATAGTGGAAGAATCCTGCAATTGCCAGAGCTCCAATTACGA[C>T]GATCAAGAGGATTGTCAACAGCACAGCTACTGCGGCTATAGAAGAAGATAGCAGAGAGCA-3'
Protein context (NP_004516.2, residues 4425-4445): VAVLLTILLI[Val4435Ile]VIGALAIAGF

ClinVar aggregate classification (germline): Conflicting classifications of pathogenicity. Review status: criteria provided, conflicting classifications (1 of 4 stars). 4 submissions from 4 submitters: Uncertain significance (3); Likely benign (1). Last evaluated 2024-04-16.

Conditions:
Inborn genetic diseases. Identifiers: MedGen C0950123, MeSH D030342.
Donnai-Barrow syndrome. Also called: DBS/FOAR SYNDROME; FACIOOCULOACOUSTICORENAL SYNDROME. Identifiers: Orphanet 2143, MedGen C1857277, MONDO:0009104, OMIM 222448.

Allele frequency attached by ClinVar (database versions not stated): ExAC 0.00001; gnomAD exomes 0.00001 and 0.00002; gnomAD 0.00002; TOPMed 0.00002.
gnomAD v4.1: 33 of 1,613,954 alleles (0.002%); highest among the groups gnomAD compares: Non-Finnish European, 0.0025%; no homozygotes.

Submissions (4):

Fulgent Genetics
Classification: Uncertain significance for Donnai-Barrow syndrome. Last evaluated: 2024-04-16. Review status: criteria provided, single submitter. Criteria: ACMG Guidelines, 2015. Collection method: clinical testing. Allele origin: germline.

Labcorp Genetics (formerly Invitae), Labcorp
Classification: Uncertain significance. Last evaluated: 2024-03-23. Review status: criteria provided, single submitter. Criteria: Invitae Variant Classification Sherloc (09022015). Collection method: clinical testing. Allele origin: germline.
Comment: This sequence change replaces valine, which is neutral and non-polar, with isoleucine, which is neutral and non-polar, at codon 4435 of the LRP2 protein (p.Val4435Ile). This variant is present in population databases (rs751890334, gnomAD 0.002%). This variant has not been reported in the literature in individuals affected with LRP2-related conditions. ClinVar contains an entry for this variant (Variation ID: 894195). Advanced modeling of protein sequence and biophysical properties (such as structural, functional, and spatial information, amino acid conservation, physicochemical variation, residue mobility, and thermodynamic stability) performed at Invitae indicates that this missense variant is not expected to disrupt LRP2 protein function with a negative predictive value of 95%. In summary, the available evidence is currently insufficient to determine the role of this variant in disease. Therefore, it has been classified as a Variant of Uncertain Significance.

Ambry Genetics
Classification: Likely benign for Inborn genetic diseases. Last evaluated: 2024-02-27. Review status: criteria provided, single submitter. Criteria: Ambry Variant Classification Scheme 2023. Collection method: clinical testing. Allele origin: germline.

Illumina Laboratory Services, Illumina
Classification: Uncertain significance for Donnai-Barrow syndrome. Last evaluated: 2018-01-13. Review status: criteria provided, single submitter. Criteria: ICSL Variant Classification Criteria 13 December 2019. Collection method: clinical testing. Allele origin: germline.